The following is an entry in ClinVar:

ClinVar aggregate classification (germline): Benign/Likely benign. Review status: criteria provided, multiple submitters, no conflicts (2 of 4 stars). 5 submissions from 5 submitters: Benign (1); Likely benign (4). Last evaluated 2026-04-01.

Conditions:
T-cell immunodeficiency with epidermodysplasia verruciformis. Identifiers: Orphanet 324294, MedGen C4749500, MONDO:0017925.
Epidermodysplasia verruciformis, susceptibility to, 4. Identifiers: MedGen C4749042, MONDO:0032666, OMIM 618307.

Allele frequency attached by ClinVar (database versions not stated): 1000 Genomes Project 0.00120; 1000 Genomes Project 30x 0.00125; gnomAD 0.00139 and 0.00148; gnomAD exomes 0.00140 and 0.00222; ExAC 0.00144; TOPMed 0.00161; ESP Exome Variant Server 0.00177.
gnomAD v4.1: 3,415 of 1,613,972 alleles (0.21%); highest among the groups gnomAD compares: Non-Finnish European, 0.27%; 4 homozygotes.

Submissions (5):

CeGaT Center for Human Genetics Tuebingen
Classification: Likely benign. Last evaluated: 2026-04-01. Review status: criteria provided, single submitter. Criteria: CeGaT Center For Human Genetics Tuebingen Variant Classification Criteria Version 2. Collection method: clinical testing. Allele origin: germline. Affected: yes. Observed: 4 variant alleles.
Comment: RHOH: BP4, BP7

Labcorp Genetics (formerly Invitae), Labcorp
Classification: Likely benign for T-cell immunodeficiency with epidermodysplasia verruciformis. Last evaluated: 2026-01-27. Review status: criteria provided, single submitter. Criteria: Invitae Variant Classification Sherloc (09022015). Collection method: clinical testing. Allele origin: germline.

Women's Health and Genetics/Laboratory Corporation of America, LabCorp
Classification: Benign. Last evaluated: 2026-01-23. Review status: criteria provided, single submitter. Criteria: LabCorp Variant Classification Summary - May 2015. Collection method: clinical testing. Allele origin: germline.

Blueprint Genetics
Classification: Likely benign. Last evaluated: 2024-11-18. Review status: criteria provided, single submitter. Criteria: ACMG Guidelines, 2015. Collection method: clinical testing. Allele origin: germline.

Fulgent Genetics
Classification: Likely benign for Epidermodysplasia verruciformis, susceptibility to, 4. Last evaluated: 2021-10-19. Review status: criteria provided, single submitter. Criteria: ACMG Guidelines, 2015. Collection method: clinical testing. Allele origin: unknown.

NM_004310.5(RHOH):c.144T>C (p.Asp48=)

Gene: RHOH (ras homolog family member H; plus strand). Cytogenetic location: 4p14.
Variant type: single nucleotide variant.
Coding change: c.144T>C on transcript NM_004310.5 (MANE Select); coding-DNA position 144, T replaced by C.
Protein change: p.Asp48=; no amino-acid change (aspartic acid 48 retained).
Molecular consequence: synonymous variant.
Genome position (GRCh38, 1-based): chr4:40,243,530, T>C. VCF-style: chr4-40243530-T-C. GRCh37 (hg19) VCF-style: chr4-40245150-T-C.
Other names: c.144T>C, p.Asp48= (NM_001278359.2, NM_001278360.2, NM_001278361.2 and 8 more transcripts).
Identifiers: ClinVar variation 477858 (VCV000477858.38), dbSNP rs76788449, ClinGen allele CA2897734.